The following is an entry in ClinVar:

NM_000535.7(PMS2):c.2473A>T (p.Ser825Cys)

Gene: PMS2 (PMS1 homolog 2, mismatch repair system component; minus strand). Cytogenetic location: 7p22.1.
Variant type: single nucleotide variant.
Coding change: c.2473A>T on transcript NM_000535.7 (MANE Select); coding-DNA position 2473, A replaced by T.
Protein change: p.Ser825Cys; replaces serine 825 with cysteine.
Molecular consequence: missense variant. On other transcripts: non-coding transcript variant (1).
Genome position (GRCh38, 1-based): chr7:5,973,515, T>A on the plus strand (A>T on the coding strand, the complement: PMS2 is on the minus strand). VCF-style: chr7-5973515-T-A. GRCh37 (hg19) VCF-style: chr7-6013146-T-A.
Other names: c.2068A>T, p.Ser690Cys (NM_001322003.2, NM_001322004.2, NM_001322005.2 and 11 more transcripts); c.2317A>T, p.Ser773Cys (NM_001322006.2); c.2155A>T, p.Ser719Cys (NM_001322007.2, NM_001322008.2, NM_001406883.1); c.2101A>T, p.Ser701Cys (NM_001322009.2, NM_001406887.1, NM_001406888.1); c.1912A>T, p.Ser638Cys (NM_001322010.2, NM_001406906.1, NM_001406907.1); c.1540A>T, p.Ser514Cys (NM_001322011.2, NM_001322012.2); c.1900A>T, p.Ser634Cys (NM_001322013.2, NM_001406908.1, NM_001406909.1); c.2506A>T, p.Ser836Cys (NM_001322014.2); and 20 more; short protein forms S514C, S638C, S690C, S719C, S730C, S769C, S773C, S784C.
Identifiers: ClinVar variation 3890993 (VCV003890993.1).
Genomic context (GRCh38, chr7:5,973,515, plus strand): 5'-GGGGACAGTTCCAGGGGTGGTCCATCTCCCCCATGTGGGTGATCAGTTTCTTCATCTCGC[T>A]TGTGTTAAGAGCAGTCCCAATCATCACCTGAGTGTGAGACACAATGGTTCAACGTTTTAG-3'
Protein context (NP_000526.2, residues 815-835): SVMIGTALNT[Ser825Cys]EMKKLITHMG

ClinVar aggregate classification (germline): Uncertain significance (1 of 4 stars; one submission).

Conditions:
Hereditary cancer-predisposing syndrome. Also called: Tumor predisposition; Neoplastic Syndromes, Hereditary; Hereditary Cancer Syndrome; Hereditary neoplastic syndrome. Identifiers: Orphanet 140162, MedGen C0027672, MeSH D009386, MONDO:0015356.

Submission:

Ambry Genetics
Classification: Uncertain significance for Hereditary cancer-predisposing syndrome. Last evaluated: 2025-01-24. Review status: criteria provided, single submitter. Criteria: Ambry Variant Classification Scheme 2023. Collection method: clinical testing. Allele origin: germline.
Comment: The p.S825C variant (also known as c.2473A>T), located in coding exon 15 of the PMS2 gene, results from an A to T substitution at nucleotide position 2473. The serine at codon 825 is replaced by cysteine, an amino acid with dissimilar properties. This amino acid position is conserved. In addition, this alteration is predicted to be tolerated by in silico analysis. Based on the available evidence, the clinical significance of this variant remains unclear.